The following is an entry in ClinVar:

ClinVar aggregate classification (germline): Benign/Likely benign. Review status: criteria provided, multiple submitters, no conflicts (2 of 4 stars). 3 submissions from 3 submitters: Benign (1); Likely benign (1). 1 of the submissions does not count toward it. Last evaluated 2026-01-22.

Conditions:
GP6-related disorder. Also called: GP6-related condition.

Allele frequency attached by ClinVar (database versions not stated): 1000 Genomes Project 30x 0.00625; gnomAD 0.00644 and 0.00600; TOPMed 0.00646; gnomAD exomes 0.00125; ExAC 0.00200; ESP Exome Variant Server 0.00438.

Submissions (3):

Labcorp Genetics (formerly Invitae), Labcorp
Classification: Benign. Last evaluated: 2026-01-22. Review status: criteria provided, single submitter. Criteria: Invitae Variant Classification Sherloc (09022015). Collection method: clinical testing. Allele origin: germline.

Mayo Clinic Laboratories, Mayo Clinic
Classification: Likely benign. Last evaluated: 2024-02-29. Review status: criteria provided, single submitter. Criteria: ACMG Guidelines, 2015. Collection method: clinical testing. Allele origin: germline. Observed: 4 variant alleles.
Comment: BS1, BS2_supporting

PreventionGenetics, part of Exact Sciences
Classification: Likely benign for GP6-related condition. Last evaluated: 2022-02-18. Review status: no assertion criteria provided. Collection method: clinical testing. Allele origin: germline. Not counted in ClinVar's aggregate classification.
Comment: This variant is classified as likely benign based on ACMG/AMP sequence variant interpretation guidelines (Richards et al. 2015 PMID: 25741868, with internal and published modifications).

NM_016363.5(GP6):c.*728_*729insTCCC

Gene: GP6 (glycoprotein VI platelet; minus strand). Cytogenetic location: 19q13.42.
Variant type: Insertion.
Coding change: c.*728_*729insTCCC on transcript NM_016363.5 (MANE Select); 728 bases downstream of the stop codon through 729 bases downstream of the stop codon, TCCC inserted.
Molecular consequence: 3 prime UTR variant. On other transcripts: frameshift variant (1).
Genome position: GRCh38 VCF-style: chr19-55014192-C-CGGGA. GRCh37 (hg19) VCF-style: chr19-55525560-C-CGGGA.
Other names: p.Gly585Serfs*7; c.1752_1753insTCCC, p.Gly585fs (NM_001083899.2); c.*728_*729insTCCC (NM_001256017.2); short protein forms G585fs.
Identifiers: ClinVar variation 777546 (VCV000777546.13), dbSNP rs761185718, ClinGen allele CA310121041.